The following is an entry in ClinVar:

NM_000117.3(EMD):c.571A>G (p.Met191Val)

Gene: EMD (emerin; plus strand). Cytogenetic location: Xq28.
Variant type: single nucleotide variant.
Coding change: c.571A>G on transcript NM_000117.3 (MANE Select); coding-DNA position 571, A replaced by G.
Protein change: p.Met191Val; replaces methionine 191 with valine.
Molecular consequence: missense variant.
Genome position (GRCh38, 1-based): chrX:154,381,003, A>G. VCF-style: chrX-154381003-A-G. GRCh37 (hg19) VCF-style: chrX-153609363-A-G.
Other names: short protein forms M191V.
Identifiers: ClinVar variation 42277 (VCV000042277.11), dbSNP rs397515752, ClinGen allele CA131133.
Genomic context (GRCh38, chrX:154,381,003, plus strand): 5'-TCAGCCTCCAGGAGCTCCCTGGACCTGTCCTATTATCCTACTTCCTCCTCCACCTCTTTT[A>G]TGTCCTCCTCATCATCTTCCTCTTCATGGCTCACCCGCCGTGCCATCCGGCCTGAAAACC-3'
Protein context (NP_000108.1, residues 181-201): YYPTSSSTSF[Met191Val]SSSSSSSSWL

ClinVar aggregate classification (germline): Conflicting classifications of pathogenicity. Review status: criteria provided, conflicting classifications (1 of 4 stars). 4 submissions from 4 submitters: Uncertain significance (2); Likely benign (2). Last evaluated 2024-08-27.

Conditions:
Emery-Dreifuss muscular dystrophy 1, X-linked (EDMD1). Also called: SCAPULOPERONEAL SYNDROME, X-LINKED; HUMEROPERONEAL NEUROMUSCULAR DISEASE; EMD-Related Emery-Dreifuss Muscular Dystrophy, X-Linked; Muscular dystrophy, tardive, Dreifuss-Emery type, with contractures. Identifiers: MedGen CN375556, MONDO:0100531, OMIM 310300.
X-linked Emery-Dreifuss muscular dystrophy. Also called: Muscular dystrophy, tardive Emery-Dreifuss type, with contractures. Identifiers: Orphanet 261, Orphanet 98863, MedGen C0751337, MONDO:0010680.

Allele frequency attached by ClinVar (database versions not stated): gnomAD exomes 0.00001; TOPMed 0.00001.

Submissions (4):

Labcorp Genetics (formerly Invitae), Labcorp
Classification: Uncertain significance for X-linked Emery-Dreifuss muscular dystrophy. Last evaluated: 2024-08-27. Review status: criteria provided, single submitter. Criteria: Invitae Variant Classification Sherloc (09022015). Collection method: clinical testing. Allele origin: germline.
Comment: This sequence change replaces methionine, which is neutral and non-polar, with valine, which is neutral and non-polar, at codon 191 of the EMD protein (p.Met191Val). This variant is not present in population databases (gnomAD no frequency). This variant has not been reported in the literature in individuals affected with EMD-related conditions. ClinVar contains an entry for this variant (Variation ID: 42277). Invitae Evidence Modeling of protein sequence and biophysical properties (such as structural, functional, and spatial information, amino acid conservation, physicochemical variation, residue mobility, and thermodynamic stability) indicates that this missense variant is not expected to disrupt EMD protein function with a negative predictive value of 80%. In summary, the available evidence is currently insufficient to determine the role of this variant in disease. Therefore, it has been classified as a Variant of Uncertain Significance.

GeneDx
Classification: Likely benign. Last evaluated: 2020-01-07. Review status: criteria provided, single submitter. Criteria: GeneDx Variant Classification Process June 2021. Collection method: clinical testing. Allele origin: germline. Affected: yes.

Revvity Omics, Revvity
Classification: Uncertain significance for Emery-Dreifuss muscular dystrophy 1, X-linked. Last evaluated: 2019-11-08. Review status: criteria provided, single submitter. Criteria: ACMG Guidelines, 2015. Collection method: clinical testing. Allele origin: germline.

Laboratory for Molecular Medicine, Mass General Brigham Personalized Medicine
Classification: Likely benign. Last evaluated: 2011-02-03. Review status: criteria provided, single submitter. Criteria: LMM Criteria. Collection method: clinical testing. Allele origin: germline. Observed: 1 variant allele.
Comment: Met191Val in exon 6 of EMD: Although this variant changes an amino acid, evolu tionary close species (rat, mouse and cow) naturally carry a valine (Val) at thi s position, reducing the likelihood that the change is pathogenic. In summary, this variant is more likely benign although we cannot exclude a modifying role.